The following is an entry in ClinVar:

NM_000384.3(APOB):c.10823G>C (p.Ser3608Thr)

Gene: APOB (apolipoprotein B; minus strand). Cytogenetic location: 2p24.1.
Variant type: single nucleotide variant.
Coding change: c.10823G>C on transcript NM_000384.3 (MANE Select); coding-DNA position 10823, G replaced by C.
Protein change: p.Ser3608Thr; replaces serine 3608 with threonine.
Molecular consequence: missense variant.
Genome position (GRCh38, 1-based): chr2:21,006,045, C>G on the plus strand (G>C on the coding strand, the complement: APOB is on the minus strand). VCF-style: chr2-21006045-C-G. GRCh37 (hg19) VCF-style: chr2-21228917-C-G.
Other names: short protein forms S3608T.
Identifiers: ClinVar variation 4613681 (VCV004613681.1).

ClinVar aggregate classification (germline): Uncertain significance (1 of 4 stars; one submission).

Conditions:
Cardiovascular phenotype. Identifiers: MedGen CN230736.

Submission:

Ambry Genetics
Classification: Uncertain significance for Cardiovascular phenotype. Last evaluated: 2025-11-10. Review status: criteria provided, single submitter. Criteria: Ambry Variant Classification Scheme 2023. Collection method: clinical testing. Allele origin: germline.
Comment: The p.S3608T variant (also known as c.10823G>C), located in coding exon 26 of the APOB gene, results from a G to C substitution at nucleotide position 10823. The serine at codon 3608 is replaced by threonine, an amino acid with similar properties. This amino acid position is conserved. In addition, this alteration is predicted to be tolerated by in silico analysis. Based on the available evidence, the clinical significance of this variant remains unclear.